The following is an entry in ClinVar:

NM_002972.4(SBF1):c.3946C>A (p.Leu1316Ile)

Gene: SBF1 (SET binding factor 1; minus strand). Cytogenetic location: 22q13.33.
Variant type: single nucleotide variant.
Coding change: c.3946C>A on transcript NM_002972.4 (MANE Select); coding-DNA position 3946, C replaced by A.
Protein change: p.Leu1316Ile; replaces leucine 1316 with isoleucine.
Molecular consequence: missense variant.
Genome position (GRCh38, 1-based): chr22:50,456,632, G>T on the plus strand (C>A on the coding strand, the complement: SBF1 is on the minus strand). VCF-style: chr22-50456632-G-T. GRCh37 (hg19) VCF-style: chr22-50895061-G-T.
Other names: c.3871C>A, p.Leu1291Ile (NM_001365819.1); c.3949C>A, p.Leu1317Ile (NM_001410794.1); c.3868C>A, p.Leu1290Ile (NM_001410795.1); c.3946C>A, p.Leu1316Ile (NM_197971.1); short protein forms L1291I, L1290I, L1316I, L1317I.
Identifiers: ClinVar variation 2042287 (VCV002042287.2), dbSNP rs752489566, ClinGen allele CA10316466.

ClinVar aggregate classification (germline): Uncertain significance. Review status: criteria provided, multiple submitters, no conflicts (2 of 4 stars). 2 submissions from 2 submitters: Uncertain significance (2). Last evaluated 2022-07-19.

Allele frequency attached by ClinVar (database versions not stated): gnomAD 0.00018; TOPMed 0.00019; ExAC 0.00027.
gnomAD v4.1: 512 of 1,510,866 alleles (0.034%); highest among the groups gnomAD compares: Non-Finnish European, 0.043%; no homozygotes.

Submissions (2):

Labcorp Genetics (formerly Invitae), Labcorp
Classification: Uncertain significance. Last evaluated: 2022-07-19. Review status: criteria provided, single submitter. Criteria: Invitae Variant Classification Sherloc (09022015). Collection method: clinical testing. Allele origin: germline.
Comment: This sequence change replaces leucine, which is neutral and non-polar, with isoleucine, which is neutral and non-polar, at codon 1316 of the SBF1 protein (p.Leu1316Ile). This variant is present in population databases (rs752489566, gnomAD 0.03%). This variant has not been reported in the literature in individuals affected with SBF1-related conditions. Algorithms developed to predict the effect of missense changes on protein structure and function (SIFT, PolyPhen-2, Align-GVGD) all suggest that this variant is likely to be tolerated. In summary, the available evidence is currently insufficient to determine the role of this variant in disease. Therefore, it has been classified as a Variant of Uncertain Significance.

Ambry Genetics
Classification: Uncertain significance. Last evaluated: 2021-10-06. Review status: criteria provided, single submitter. Criteria: Ambry Variant Classification Scheme 2023. Collection method: clinical testing. Allele origin: germline.